The following is an entry in ClinVar:

ClinVar aggregate classification (germline): Uncertain significance (1 of 4 stars; one submission).

Conditions:
Autoimmune lymphoproliferative syndrome, type III caused by mutation in PRKCD. Identifiers: Orphanet 3261, Orphanet 664711, MedGen C3809928, MONDO:8000024, OMIM 615559.

Allele frequency attached by ClinVar (database versions not stated): gnomAD exomes below 0.00001.
gnomAD v4.1: 2 of 1,614,208 alleles (0.00012%); highest among the groups gnomAD compares: Non-Finnish European, 0.000085%; no homozygotes.

Submission:

Labcorp Genetics (formerly Invitae), Labcorp
Classification: Uncertain significance for Autoimmune lymphoproliferative syndrome, type III caused by mutation in PRKCD. Last evaluated: 2022-06-20. Review status: criteria provided, single submitter. Criteria: Invitae Variant Classification Sherloc (09022015). Collection method: clinical testing. Allele origin: germline.
Comment: In summary, the available evidence is currently insufficient to determine the role of this variant in disease. Therefore, it has been classified as a Variant of Uncertain Significance. Algorithms developed to predict the effect of missense changes on protein structure and function (SIFT, PolyPhen-2, Align-GVGD) all suggest that this variant is likely to be disruptive. ClinVar contains an entry for this variant (Variation ID: 1014831). This variant has not been reported in the literature in individuals affected with PRKCD-related conditions. This variant is not present in population databases (gnomAD no frequency). This sequence change replaces glycine, which is neutral and non-polar, with aspartic acid, which is acidic and polar, at codon 248 of the PRKCD protein (p.Gly248Asp).

NM_006254.4(PRKCD):c.743G>A (p.Gly248Asp)

Gene: PRKCD (protein kinase C delta; plus strand). Cytogenetic location: 3p21.1.
Variant type: single nucleotide variant.
Coding change: c.743G>A on transcript NM_006254.4 (MANE Select); coding-DNA position 743, G replaced by A.
Protein change: p.Gly248Asp; replaces glycine 248 with aspartic acid.
Molecular consequence: missense variant.
Genome position (GRCh38, 1-based): chr3:53,183,537, G>A. VCF-style: chr3-53183537-G-A. GRCh37 (hg19) VCF-style: chr3-53217553-G-A.
Other names: c.743G>A, p.Gly248Asp (NM_001316327.2, NM_001354679.2, NM_001354680.2 and 1 more transcripts); c.800G>A, p.Gly267Asp (NM_001354676.2); c.791G>A, p.Gly264Asp (NM_001354678.2); short protein forms G248D, G264D, G267D.
Identifiers: ClinVar variation 1014831 (VCV001014831.5), dbSNP rs1703547897, ClinGen allele CA353220115.